The following is an entry in ClinVar:

NM_206926.2(SELENON):c.1184_1186del (p.Ser395del)

Gene: SELENON (selenoprotein N; plus strand). Cytogenetic location: 1p36.11.
Variant type: Deletion.
Coding change: c.1184_1186del on transcript NM_206926.2 (MANE Select); coding-DNA positions 1184 to 1186, 3 bases deleted (CCT; older notation c.1184_1186delCCT).
Protein change: p.Ser395del; deletes serine 395.
Genome position (GRCh38, 1-based): chr1:25,812,691-25,812,693, CCT deleted; deleting any 3 consecutive bases within chr1:25,812,689-25,812,693 gives the same sequence; the c. name uses the placement nearest the transcript's 3' end. VCF-style (leftmost placement, unchanged base first): chr1-25812688-TCTC-T. GRCh37 (hg19) VCF-style: chr1-26139179-TCTC-T.
Other names: c.1286_1288del, p.Ser429del (NM_020451.3); c.1286_1288delCCT (NM_020451.3); short protein forms S395del, S429del.
Identifiers: ClinVar variation 3896988 (VCV003896988.1).

ClinVar aggregate classification (germline): Uncertain significance (1 of 4 stars; one submission).

Conditions:
Eichsfeld type congenital muscular dystrophy (CMYO3). Also called: MYOPATHY, SEPN1-RELATED; Rigid spine muscular dystrophy 1; SELENON-related myopathy; Congenital myopathy 3 with rigid spine. Identifiers: MedGen C0410180, MONDO:0100100, OMIM 602771.

Submission:

Kariminejad - Najmabadi Pathology & Genetics Center
Classification: Uncertain significance for Eichsfeld type congenital muscular dystrophy. Last evaluated: 2023-11-03. Review status: criteria provided, single submitter. Criteria: ACMG Guidelines, 2015. Collection method: clinical testing. Allele origin: germline. Inheritance: Autosomal recessive inheritance. Affected: yes.
Comment: PM2,PM4